The following is an entry in ClinVar:

ClinVar aggregate classification (germline): Conflicting classifications of pathogenicity. Review status: criteria provided, conflicting classifications (1 of 4 stars). 4 submissions from 4 submitters: Uncertain significance (2); Likely benign (2). Last evaluated 2025-06-06.

Conditions:
Cardiovascular phenotype. Identifiers: MedGen CN230736.
Long QT syndrome (LQTS). Identifiers: MedGen C0023976, MeSH D008133, MONDO:0002442. Disease mechanism: loss of function. Inheritance: Various modes of inheritance.

Allele frequency attached by ClinVar (database versions not stated): gnomAD 0.00007 and 0.00006; TOPMed 0.00007; ExAC 0.00013; gnomAD exomes 0.00015 and 0.00004; 1000 Genomes Project 0.00040; 1000 Genomes Project 30x 0.00062.
gnomAD v4.1: 81 of 1,613,808 alleles (0.005%); highest among the groups gnomAD compares: East Asian, 0.074%; no homozygotes.

Submissions (4):

Labcorp Genetics (formerly Invitae), Labcorp
Classification: Likely benign for Long QT syndrome. Last evaluated: 2025-06-06. Review status: criteria provided, single submitter. Criteria: Invitae Variant Classification Sherloc (09022015). Collection method: clinical testing. Allele origin: germline.

Blueprint Genetics
Classification: Uncertain significance. Last evaluated: 2023-08-17. Review status: criteria provided, single submitter. Criteria: ACMG Guidelines, 2015. Collection method: clinical testing. Allele origin: germline.

Ambry Genetics
Classification: Likely benign for Cardiovascular phenotype. Last evaluated: 2023-05-10. Review status: criteria provided, single submitter. Criteria: Ambry Variant Classification Scheme 2023. Collection method: clinical testing. Allele origin: germline.

GeneDx
Classification: Uncertain significance. Last evaluated: 2016-11-16. Review status: criteria provided, single submitter. Criteria: GeneDx Variant Classification (06012015). Collection method: clinical testing. Allele origin: germline. Affected: yes.
Comment: A variant of uncertain significance has been identified in the SNTA1 gene. The R197W variant has not been published as a pathogenic variant, nor has it been reported as a benign variant to our knowledge. The R197W variant was not observed in approximately 6,500 individuals of European and African American ancestry in the NHLBI Exome Sequencing Project, however, it was observed in approximately 0.15-0.20% of alleles from individuals of East Asian ancestry in the 1000 Genomes Project and Exome Aggregation Consortium, indicating it may be a rare benign variant in this population. Additionally, this substitution occurs at a position that is not conserved across species and Tryptophan is tolerated at this position in at least two species. Finally, while R197W is a non-conservative amino acid substitution, which is likely to impact secondary protein structure as these residues differ in polarity, charge, size and/or other properties, in silico analysis is inconsistent in its predictions as to whether or not the variant is damaging to the protein structure/function.Therefore, based on the currently available information, it is unclear whether this variant is pathogenic or rare benign.

NM_003098.3(SNTA1):c.589C>T (p.Arg197Trp)

Gene: SNTA1 (syntrophin alpha 1; minus strand). Cytogenetic location: 20q11.21.
Variant type: single nucleotide variant.
Coding change: c.589C>T on transcript NM_003098.3 (MANE Select); coding-DNA position 589, C replaced by T.
Protein change: p.Arg197Trp; replaces arginine 197 with tryptophan.
Molecular consequence: missense variant.
Genome position (GRCh38, 1-based): chr20:33,417,831, G>A on the plus strand (C>T on the coding strand, the complement: SNTA1 is on the minus strand). VCF-style: chr20-33417831-G-A. GRCh37 (hg19) VCF-style: chr20-32005637-G-A.
Other names: short protein forms R197W.
Identifiers: ClinVar variation 180527 (VCV000180527.15), dbSNP rs530603992, ClinGen allele CA346668.